The following is an entry in ClinVar:

NM_000051.4(ATM):c.5931T>A (p.Phe1977Leu)

Genes: C11orf65 (chromosome 11 open reading frame 65; minus strand), ATM (ATM serine/threonine kinase; plus strand). Cytogenetic location: 11q22.3.
Variant type: single nucleotide variant.
Coding change: c.5931T>A on transcript NM_000051.4 (MANE Select); coding-DNA position 5931, T replaced by A.
Protein change: p.Phe1977Leu; replaces phenylalanine 1977 with leucine.
Molecular consequence: missense variant. On other transcripts: intron variant (2).
Genome position (GRCh38, 1-based): chr11:108,312,423, T>A. VCF-style: chr11-108312423-T-A. GRCh37 (hg19) VCF-style: chr11-108183150-T-A.
Other names: c.5931T>A, p.Phe1977Leu (NM_001351834.2); c.641-3352A>T (NM_001330368.2); c.*39-3352A>T (NM_001351110.2); short protein forms F1977L.
Identifiers: ClinVar variation 1480441 (VCV001480441.8), dbSNP rs2136059294, ClinGen allele CA382548652.
Genomic context (GRCh38, chr11:108,312,423, plus strand): 5'-TTCCAAATAGTATGTTCTCATTAAAAGAGGTGTTCTTGTGACAAACAGAAGTCTTGCATT[T>A]GAAGAAGGAAGCCAGAGTACAACTATTTCTAGCTTGAGTGAAAAAAGTAAAGAAGAAACT-3'
Protein context (NP_000042.3, residues 1967-1987): MDDQEKRSLA[Phe1977Leu]EEGSQSTTIS

ClinVar aggregate classification (germline): Uncertain significance (1 of 4 stars; one submission).

Conditions:
Ataxia-telangiectasia syndrome (AT). Also called: LOUIS-BAR SYNDROME; Cerebello-oculocutaneous telangiectasia; Immunodeficiency with ataxia telangiectasia; Ataxia telangiectasia (A-T); Ataxia-telangiectasia, complementation group D; AT, COMPLEMENTATION GROUP C. Identifiers: Orphanet 100, MedGen C0004135, MONDO:0008840, OMIM 208900.

Submission:

Labcorp Genetics (formerly Invitae), Labcorp
Classification: Uncertain significance for Ataxia-telangiectasia syndrome. Last evaluated: 2025-04-30. Review status: criteria provided, single submitter. Criteria: Invitae Variant Classification Sherloc (09022015). Collection method: clinical testing. Allele origin: germline.
Comment: This sequence change replaces phenylalanine, which is neutral and non-polar, with leucine, which is neutral and non-polar, at codon 1977 of the ATM protein (p.Phe1977Leu). This variant is not present in population databases (gnomAD no frequency). This variant has not been reported in the literature in individuals affected with ATM-related conditions. ClinVar contains an entry for this variant (Variation ID: 1480441). Invitae Evidence Modeling of protein sequence and biophysical properties (such as structural, functional, and spatial information, amino acid conservation, physicochemical variation, residue mobility, and thermodynamic stability) indicates that this missense variant is not expected to disrupt ATM protein function with a negative predictive value of 95%. In summary, the available evidence is currently insufficient to determine the role of this variant in disease. Therefore, it has been classified as a Variant of Uncertain Significance.